The following is an entry in ClinVar:

NM_000388.4(CASR):c.1685G>A (p.Cys562Tyr)

Gene: CASR (calcium sensing receptor; plus strand). Cytogenetic location: 3q21.1.
Variant type: single nucleotide variant.
Coding change: c.1685G>A on transcript NM_000388.4 (MANE Select); coding-DNA position 1685, G replaced by A.
Protein change: p.Cys562Tyr; replaces cysteine 562 with tyrosine.
Molecular consequence: missense variant.
Genome position (GRCh38, 1-based): chr3:122,282,189, G>A. VCF-style: chr3-122282189-G-A. GRCh37 (hg19) VCF-style: chr3-122001036-G-A.
Other names: c.1715G>A, p.Cys572Tyr (NM_001178065.2); c.1685G>A (NM_000388.3); short protein forms C572Y, C562Y.
Identifiers: ClinVar variation 2203417 (VCV002203417.7), dbSNP rs193922426, ClinGen allele CA354156268.
Genomic context (GRCh38, chr3:122,282,189, plus strand): 5'-GCAGCCGAGACTGCCTGGCAGGGACCAGGAAAGGGATCATTGAGGGGGAGCCCACCTGCT[G>A]CTTTGAGTGTGTGGAGTGTCCTGATGGGGAGTATAGTGATGAGACAGGTAAGGGAACCCC-3'
Protein context (NP_000379.3, residues 552-572): KGIIEGEPTC[Cys562Tyr]FECVECPDGE

ClinVar aggregate classification (germline): Conflicting classifications of pathogenicity. Review status: criteria provided, conflicting classifications (1 of 4 stars). 4 submissions from 4 submitters: Likely pathogenic (1); Uncertain significance (3). Last evaluated 2023-12-08.

Conditions:
CASR-related disorder. Also called: CASR-related condition.
Autosomal dominant hypocalcemia 1 (HYPOC1). Also called: HYPOCALCEMIA, FAMILIAL. Identifiers: MedGen C3715128, MONDO:0011013, OMIM 601198.
Familial hypocalciuric hypercalcemia (FHH). Also called: Familial benign hypercalcemia. Identifiers: Orphanet 405, MedGen C1809471, MONDO:0018458.

Submissions (4):

Women's Health and Genetics/Laboratory Corporation of America, LabCorp
Classification: Uncertain significance. Last evaluated: 2023-12-08. Review status: criteria provided, single submitter. Criteria: LabCorp Variant Classification Summary - May 2015. Collection method: clinical testing. Allele origin: germline.
Comment: Variant summary: CASR c.1685G>A (p.Cys562Tyr) results in a non-conservative amino acid change in the encoded protein sequence. Five of five in-silico tools predict a damaging effect of the variant on protein function. The variant was absent in 251490 control chromosomes. c.1685G>A has been reported in the literature in individuals affected with Familial Hypocalciuric Hypercalcemia (Burski_2002, Nissen_2007). These data indicate that the variant may be associated with disease. To our knowledge, no experimental evidence demonstrating an impact on protein function has been reported. The following publications have been ascertained in the context of this evaluation (PMID: 11889154, 17698911). One submitter has cited clinical-significance assessments for this variant to ClinVar after 2014 and has classified the variant as uncertain significance. Based on the evidence outlined above, the variant was classified as VUS-possibly pathogenic.

GeneDx
Classification: Uncertain significance. Last evaluated: 2023-11-22. Review status: criteria provided, single submitter. Criteria: GeneDx Variant Classification Process June 2021. Collection method: clinical testing. Allele origin: germline. Affected: yes.
Comment: Not observed at significant frequency in large population cohorts (gnomAD); In silico analysis supports that this missense variant has a deleterious effect on protein structure/function; Observed in an individual with parathyroid adenoma and familial hypocalciuric hypercalcemia (PMID: 11889154); This variant is associated with the following publications: (PMID: 11889154)

Blueprint Genetics
Classification: Likely pathogenic for CASR-related disorders. Last evaluated: 2023-06-14. Review status: criteria provided, single submitter. Criteria: ACMG Guidelines, 2015. Collection method: clinical testing. Allele origin: germline. Affected: yes. Observed: 1 variant allele.

Labcorp Genetics (formerly Invitae), Labcorp
Classification: Uncertain significance for Familial hypocalciuric hypercalcemia; Autosomal dominant hypocalcemia 1. Last evaluated: 2022-06-14. Review status: criteria provided, single submitter. Criteria: Invitae Variant Classification Sherloc (09022015). Collection method: clinical testing. Allele origin: germline.
Comment: This missense change has been observed in individual(s) with hypocalciuric hypercalcemia (PMID: 11889154). In summary, the available evidence is currently insufficient to determine the role of this variant in disease. Therefore, it has been classified as a Variant of Uncertain Significance. Algorithms developed to predict the effect of missense changes on protein structure and function are either unavailable or do not agree on the potential impact of this missense change (SIFT: "Deleterious"; PolyPhen-2: "Possibly Damaging"; Align-GVGD: "Class C0"). This variant is not present in population databases (gnomAD no frequency). This sequence change replaces cysteine, which is neutral and slightly polar, with tyrosine, which is neutral and polar, at codon 562 of the CASR protein (p.Cys562Tyr).

Literature cited by the submitters: PubMed 11889154 (cited by Women's Health and Genetics/Laboratory Corporation of America, LabCorp and Labcorp Genetics (formerly Invitae), Labcorp); PubMed 17698911 (cited by Women's Health and Genetics/Laboratory Corporation of America, LabCorp).